The following is an entry in ClinVar:

ClinVar aggregate classification (germline): Uncertain significance. Review status: criteria provided, multiple submitters, no conflicts (2 of 4 stars). 2 submissions from 2 submitters: Uncertain significance (2). Last evaluated 2025-04-02.

Conditions:
Brugada syndrome. Also called: Sudden unexplained nocturnal death syndrome; Sudden unexpected nocturnal death syndrome; Sudden Unexplained Death Syndrome; Sudden Unexplained Nocturnal Death Syndrome (SUNDS). Identifiers: Orphanet 130, MedGen C1142166, MONDO:0015263.

Allele frequency attached by ClinVar (database versions not stated): gnomAD exomes below 0.00001 and 0.00001.
gnomAD v4.1: 3 of 1,613,584 alleles (0.00019%); highest among the groups gnomAD compares: East Asian, 0.0022%; no homozygotes.

Submissions (2):

Ambry Genetics
Classification: Uncertain significance. Last evaluated: 2025-04-02. Review status: criteria provided, single submitter. Criteria: Ambry Variant Classification Scheme 2023. Collection method: clinical testing. Allele origin: germline.
Comment: The p.N780D variant (also known as c.2338A>G), located in coding exon 20 of the SLMAP gene, results from an A to G substitution at nucleotide position 2338. The asparagine at codon 780 is replaced by aspartic acid, an amino acid with highly similar properties. This amino acid position is conserved. In addition, this alteration is predicted to be tolerated by in silico analysis. Based on the available evidence, the clinical significance of this variant remains unclear.

Labcorp Genetics (formerly Invitae), Labcorp
Classification: Uncertain significance for Brugada syndrome. Last evaluated: 2022-02-10. Review status: criteria provided, single submitter. Criteria: Invitae Variant Classification Sherloc (09022015). Collection method: clinical testing. Allele origin: germline.
Comment: In summary, the available evidence is currently insufficient to determine the role of this variant in disease. Therefore, it has been classified as a Variant of Uncertain Significance. Algorithms developed to predict the effect of missense changes on protein structure and function (SIFT, PolyPhen-2, Align-GVGD) all suggest that this variant is likely to be tolerated. ClinVar contains an entry for this variant (Variation ID: 951260). This variant has not been reported in the literature in individuals affected with SLMAP-related conditions. This variant is present in population databases (no rsID available, gnomAD 0.006%). This sequence change replaces asparagine, which is neutral and polar, with aspartic acid, which is acidic and polar, at codon 780 of the SLMAP protein (p.Asn780Asp).

NM_001377540.1(SLMAP):c.2440A>G (p.Asn814Asp)

Gene: SLMAP (sarcolemma associated protein; plus strand). Cytogenetic location: 3p14.3.
Variant type: single nucleotide variant.
Coding change: c.2440A>G on transcript NM_001377540.1 (MANE Select); coding-DNA position 2440, A replaced by G.
Protein change: p.Asn814Asp; replaces asparagine 814 with aspartic acid.
Molecular consequence: missense variant. On other transcripts: non-coding transcript variant (1).
Genome position (GRCh38, 1-based): chr3:57,923,018, A>G. VCF-style: chr3-57923018-A-G. GRCh37 (hg19) VCF-style: chr3-57908745-A-G.
Other names: c.2389A>G, p.Asn797Asp (NM_001304420.3, NM_001377541.1, NM_001377542.1); c.2275A>G, p.Asn759Asp (NM_001304421.2, NM_001377557.1, NM_001377559.1); c.991A>G, p.Asn331Asp (NM_001304422.3, NM_001311178.2); c.793A>G, p.Asn265Asp (NM_001304423.3); c.2461A>G, p.Asn821Asp (NM_001377538.1); c.2440A>G, p.Asn814Asp (NM_001377539.1); c.2377A>G, p.Asn793Asp (NM_001377545.1); c.2338A>G, p.Asn780Asp (NM_001377549.1, NM_007159.5); and 8 more; short protein forms N265D, N759D, N290D, N739D, N752D, N756D, N814D, N331D.
Identifiers: ClinVar variation 951260 (VCV000951260.7), dbSNP rs1214562198, ClinGen allele CA353410869.
Genomic context (GRCh38, chr3:57,923,018, plus strand): 5'-TCAATCACAGATGAGCTCAAACAGTGTAAAAACAACCTGAAGCTGCTCCGAGAGAAAGGA[A>G]ATAATGTAAGTCTTTGCAAACTTGGCTTAGCTTTGATTGAGAGGCACATGAGAGATTGAA-3'
Protein context (NP_001364469.1, residues 804-824): NNLKLLREKG[Asn814Asp]NPSILQPVPA